The following is an entry in ClinVar:

ClinVar aggregate classification (germline): Benign. Review status: reviewed by expert panel (3 of 4 stars). 10 submissions from 10 submitters: Benign (1). 9 of the submissions do not count toward it. Last evaluated 2023-01-25.

Conditions:
GATM-related disorder. Also called: GATM-related condition.
Inborn genetic diseases. Identifiers: MedGen C0950123, MeSH D030342.
Arginine:glycine amidinotransferase deficiency (CCDS3). Also called: Creatine deficiency syndrome due to AGAT deficiency; GATM deficiency; AGAT deficiency; L-Arginine:Glycine Amidinotransferase Deficiency; L-Arginine:Glycine Amidinotransferase (AGAT) Deficiency; Cerebral creatine deficiency syndrome 3. Identifiers: Orphanet 35704, MedGen C2675179, MONDO:0012996, OMIM 612718.
Intellectual disability. Also called: Intellectual functioning disability; Intellectual developmental disorder; intellectual disabilities. Identifiers: MedGen C3714756, MeSH D008607, MONDO:0001071, HP:0001249.

Allele frequency attached by ClinVar (database versions not stated): ExAC 0.00032; gnomAD exomes 0.00037 and 0.00059; gnomAD 0.00043 and 0.00063; ESP Exome Variant Server 0.00046; TOPMed 0.00062.
gnomAD v4.1: 947 of 1,613,932 alleles (0.059%); highest among the groups gnomAD compares: Non-Finnish European, 0.074%; 5 homozygotes.

Submissions (11):

ClinGen Cerebral Creatine Deficiency Syndromes Variant Curation Expert Panel, ClinGen
Classification: Benign for Arginine:glycine amidinotransferase deficiency. Last evaluated: 2023-01-25. Review status: reviewed by expert panel. Criteria: ClinGen_CCDS_ACMG_Specifications_GATM_v1.1. Collection method: curation. Allele origin: germline. Inheritance: Autosomal recessive inheritance.
Comment: The NM_001482.3:c.407C>T variant in GATM is a missense variant predicted to cause substitution of threonine by methionine at amino acid 136 (p.Thr136Met). The highest population minor allele frequency in gnomAD v2.1.1 is 0.0007357 (95/129130 alleles) in the non-Finnish European population, which is higher than the ClinGen CCDS VCEP’s threshold for BA1 (>0.0005), and therefore meets this criterion (BA1). Expression of the variant in HeLa cells resulted in >50% wild type AGAT activity suggesting that this variant does not significantly impact protein function (PMID: 27233232) (BS3_Supporting). The computational predictor REVEL gives a score of 0.049 which is below the threshold of 0.15, evidence that does not predict a damaging effect on AGAT function (BP4). There is a ClinVar entry for this variant (Variation ID: 205613). In summary, this variant meets the criteria to be classified as benign for AGAT deficiency based on the ACMG/AMP criteria applied, as specified by the ClinGen Cerebral Creatine Deficiency Syndromes Variant Curation Expert Panel (Specifications Version 1.0): BA1, BS3_Supporting, BP4. (Classification approved by the ClinGen CCDS VCEP on January 25, 2023).

CeGaT Center for Human Genetics Tuebingen
Classification: Likely benign. Last evaluated: 2026-07-01. Review status: criteria provided, single submitter. Criteria: CeGaT Center For Human Genetics Tuebingen Variant Classification Criteria Version 2. Collection method: clinical testing. Allele origin: germline. Affected: yes. Observed: 2 variant alleles. Not counted in ClinVar's aggregate classification.
Comment: GATM: BP4, BS2

PreventionGenetics, part of Exact Sciences
Classification: Uncertain significance for GATM-related condition. Last evaluated: 2026-05-19. Review status: criteria provided, single submitter. Criteria: ACMG Guidelines, 2015. Collection method: clinical testing. Allele origin: germline. Not counted in ClinVar's aggregate classification.
Comment: The GATM c.407C>T variant is predicted to result in the amino acid substitution p.Thr136Met. To our knowledge, this variant has not been reported in the literature. This variant is reported in 0.074% of alleles in individuals of European (Non-Finnish) descent in gnomAD. Although we suspect that this variant may be benign, at this time, the clinical significance of this variant is uncertain due to the absence of conclusive functional and genetic evidence.

Labcorp Genetics (formerly Invitae), Labcorp
Classification: Benign for Arginine:glycine amidinotransferase deficiency. Last evaluated: 2026-01-05. Review status: criteria provided, single submitter. Criteria: Invitae Variant Classification Sherloc (09022015). Collection method: clinical testing. Allele origin: germline. Not counted in ClinVar's aggregate classification.

Athena Diagnostics
Classification: Likely benign. Last evaluated: 2024-06-24. Review status: criteria provided, single submitter. Criteria: Athena Diagnostics Criteria. Collection method: clinical testing. Allele origin: unknown. Not counted in ClinVar's aggregate classification.

GeneDx
Classification: Likely benign. Last evaluated: 2020-08-28. Review status: criteria provided, single submitter. Criteria: GeneDx Variant Classification Process June 2021. Collection method: clinical testing. Allele origin: germline. Affected: yes. Not counted in ClinVar's aggregate classification.
Comment: This variant is associated with the following publications: (PMID: 27233232)

Illumina Laboratory Services, Illumina
Classification: Uncertain significance for Arginine:glycine amidinotransferase deficiency. Last evaluated: 2018-01-13. Review status: criteria provided, single submitter. Criteria: ICSL Variant Classification Criteria 13 December 2019. Collection method: clinical testing. Allele origin: germline. Not counted in ClinVar's aggregate classification.

Center for Pediatric Genomic Medicine, Children's Mercy Hospital and Clinics
Classification: Uncertain significance. Last evaluated: 2017-01-09. Review status: criteria provided, single submitter. Criteria: ACMG Guidelines, 2015. Collection method: clinical testing. Allele origin: germline. Not counted in ClinVar's aggregate classification.
ClinVar note: Converted during submission from Uncertain Significance to Uncertain significance.

Ambry Genetics
Classification: Benign for Inborn genetic diseases. Last evaluated: 2016-06-07. Review status: criteria provided, single submitter. Criteria: Ambry Variant Classification Scheme 2023. Collection method: clinical testing. Allele origin: germline. Not counted in ClinVar's aggregate classification.

Centre de Biologie Pathologie Génétique, Centre Hospitalier Universitaire de Lille
Classification: Likely benign for Intellectual disability. Last evaluated: 2019-01-01. Review status: no assertion criteria provided. Collection method: clinical testing. Allele origin: inherited. Affected: yes. Not counted in ClinVar's aggregate classification.

Hospital for Sick Children
No classification provided (evidence only). Review status: no classification provided. Collection method: in vitro. Allele origin: not applicable. Functional consequence: no known functional consequence. Not counted in ClinVar's aggregate classification.
ClinVar note: "not provided" was previously submitted as the classification for the variant. However, the classification appeared to be based only on an observation of functional data so it was converted to no classification on 2025-07-30.

Literature cited by the submitters: PubMed 27233232 (cited by 4 submitters); PubMed 26003046 (cited by Athena Diagnostics and Ambry Genetics); PubMed 24415674 (cited by Athena Diagnostics and Ambry Genetics); PubMed 19892372 (cited by Athena Diagnostics).

NM_001482.3(GATM):c.407C>T (p.Thr136Met)

Gene: GATM (glycine amidinotransferase; minus strand). Cytogenetic location: 15q21.1.
Variant type: single nucleotide variant.
Coding change: c.407C>T on transcript NM_001482.3 (MANE Select); coding-DNA position 407, C replaced by T.
Protein change: p.Thr136Met; replaces threonine 136 with methionine.
Molecular consequence: missense variant.
Genome position (GRCh38, 1-based): chr15:45,369,403, G>A on the plus strand (C>T on the coding strand, the complement: GATM is on the minus strand). VCF-style: chr15-45369403-G-A. GRCh37 (hg19) VCF-style: chr15-45661601-G-A.
Other names: p.T136M:ACG>ATG; NM_001482.3(GATM):c.407C>T; p.Thr136Met; c.20C>T, p.Thr7Met (NM_001321015.2); short protein forms T136M, T7M.
Identifiers: ClinVar variation 205613 (VCV000205613.49), dbSNP rs148564534, ClinGen allele CA314868.
Genomic context (GRCh38, chr15:45,369,403, plus strand): 5'-GGAGTTTTATACTTCAATGACCAGTCAATGGGGTCAGGCCTCCTTACTGTCACTCCTTCC[G>A]TTTTTAAAATATTGCACATTTCTTCAATTTCAGCAACAGCCTTTTTCAAATGATCTTTGG-3'
Protein context (NP_001473.1, residues 126-146): EIEEMCNILK[Thr136Met]EGVTVRRPDP